The following is an entry in ClinVar:

ClinVar aggregate classification (germline): Pathogenic (1 of 4 stars; one submission).

Conditions:
Ullrich congenital muscular dystrophy 2 (UCMD2). Identifiers: Orphanet 75840, MedGen C4225314, MONDO:0014654, OMIM 616470.
Bethlem myopathy 2 (BTHLM2). Identifiers: Orphanet 536516, Orphanet 610, MedGen C4225313, MONDO:0034022, OMIM 616471.

Submission:

Labcorp Genetics (formerly Invitae), Labcorp
Classification: Pathogenic for Bethlem myopathy 2; Ullrich congenital muscular dystrophy 2. Last evaluated: 2023-07-25. Review status: criteria provided, single submitter. Criteria: Invitae Variant Classification Sherloc (09022015). Collection method: clinical testing. Allele origin: germline.
Comment: This sequence change creates a premature translational stop signal (p.Gln2914Asnfs*2) in the COL12A1 gene. It is expected to result in an absent or disrupted protein product. Loss-of-function variants in COL12A1 are known to be pathogenic (PMID: 24334604, 28973083). This variant is not present in population databases (gnomAD no frequency). This variant has not been reported in the literature in individuals affected with COL12A1-related conditions. For these reasons, this variant has been classified as Pathogenic.

Literature cited by the submitters: PubMed 24334604; PubMed 28973083.

NM_004370.6(COL12A1):c.8740del (p.Gln2914fs)

Gene: COL12A1 (collagen type XII alpha 1 chain; minus strand). Cytogenetic location: 6q13.
Variant type: Deletion.
Coding change: c.8740del on transcript NM_004370.6 (MANE Select); coding-DNA position 8740, one base deleted (C; older notation c.8740delC).
Protein change: p.Gln2914fs; shifts the reading frame from glutamine 2914.
Molecular consequence: frameshift variant.
Genome position (GRCh38, 1-based): chr6:75,091,335, G deleted on the plus strand (C on the coding strand, the reverse complement: COL12A1 is on the minus strand). VCF-style (leftmost placement, unchanged base first): chr6-75091334-TG-T. GRCh37 (hg19) VCF-style: chr6-75801050-TG-T.
Other names: c.8740del, p.Gln2914fs (NM_001424113.1); c.8719del, p.Gln2907fs (NM_001424114.1); c.8467del, p.Gln2823fs (NM_001424115.1); c.5248del, p.Gln1750fs (NM_001424116.1, NM_080645.3); short protein forms Q2907fs, Q2914fs, Q2823fs, Q1750fs.
Identifiers: ClinVar variation 2949590 (VCV002949590.3), dbSNP rs2533038081, ClinGen allele CA2740091429.